The following is an entry in ClinVar:

ClinVar aggregate classification (germline): Benign/Likely benign. Review status: criteria provided, multiple submitters, no conflicts (2 of 4 stars). 4 submissions from 4 submitters: Benign (1); Likely benign (2). 1 of the submissions does not count toward it. Last evaluated 2025-12-01.

Conditions:
PDE6B-related disorder. Also called: PDE6B-related disease; PDE6B-related condition; PDE6B-related disorders.
Retinal dystrophy. Also called: Inherited retinal dystrophy. Identifiers: Orphanet 71862, MedGen C0854723, MeSH D058499, MONDO:0019118, HP:0000556.

Allele frequency attached by ClinVar (database versions not stated): gnomAD 0.00009 and 0.00011; gnomAD exomes 0.00013; TOPMed 0.00021; 1000 Genomes Project 30x 0.00031; 1000 Genomes Project 0.00040.
gnomAD v4.1: 197 of 1,613,672 alleles (0.012%); highest among the groups gnomAD compares: East Asian, 0.35%; 1 homozygote.

Submissions (5):

Labcorp Genetics (formerly Invitae), Labcorp
Classification: Benign. Last evaluated: 2025-12-01. Review status: criteria provided, single submitter. Criteria: Invitae Variant Classification Sherloc (09022015). Collection method: clinical testing. Allele origin: germline.

Blueprint Genetics
Classification: Likely benign. Last evaluated: 2024-11-18. Review status: criteria provided, single submitter. Criteria: ACMG Guidelines, 2015. Collection method: clinical testing. Allele origin: germline.

Dept Of Ophthalmology, Nagoya University
Classification: Likely benign for Retinal dystrophy. Last evaluated: 2023-10-01. Review status: criteria provided, single submitter. Criteria: Submitter's publication. Collection method: research. Allele origin: germline. Affected: yes.

PreventionGenetics, part of Exact Sciences
Classification: Likely benign for PDE6B-related condition. Last evaluated: 2019-09-19. Review status: no assertion criteria provided. Collection method: clinical testing. Allele origin: germline. Not counted in ClinVar's aggregate classification.
Comment: This variant is classified as likely benign based on ACMG/AMP sequence variant interpretation guidelines (Richards et al. 2015 PMID: 25741868, with internal and published modifications).

Dr. Peter K. Rogan Lab, Western University
No classification provided (evidence only). Condition: Gastric cancer. Review status: no classification provided. Collection method: in vitro. Allele origin: not applicable. Functional consequence: retained intron. Not counted in ClinVar's aggregate classification.

NM_000283.4(PDE6B):c.726G>A (p.Ser242=)

Genes: PDE6B (phosphodiesterase 6B; plus strand), PDE6B-AS1 (PDE6B antisense RNA 1; minus strand). Cytogenetic location: 4p16.3.
Variant type: single nucleotide variant.
Coding change: c.726G>A on transcript NM_000283.4 (MANE Select); coding-DNA position 726, G replaced by A.
Protein change: p.Ser242=; no amino-acid change (serine 242 retained).
Molecular consequence: synonymous variant. On other transcripts: 5 prime UTR variant (5).
Genome position (GRCh38, 1-based): chr4:653,866, G>A. VCF-style: chr4-653866-G-A. GRCh37 (hg19) VCF-style: chr4-647655-G-A.
Other names: c.726G>A, p.Ser242= (NM_001145291.2); c.-112G>A (NM_001145292.2, NM_001350154.3, NM_001379246.1 and 1 more transcripts); c.-315G>A (NM_001350155.3).
Identifiers: ClinVar variation 738680 (VCV000738680.16), dbSNP rs200975847, ClinGen allele CA2794102.